The following is an entry in ClinVar:

NM_020812.4(DOCK6):c.1023+4C>T

Gene: DOCK6 (dedicator of cytokinesis 6; minus strand). Cytogenetic location: 19p13.2.
Variant type: single nucleotide variant.
Coding change: c.1023+4C>T on transcript NM_020812.4 (MANE Select); 4 bases into the intron after coding-DNA position 1023, C replaced by T.
Molecular consequence: intron variant.
Genome position (GRCh38, 1-based): chr19:11,245,559, G>A on the plus strand (C>T on the coding strand, the complement: DOCK6 is on the minus strand). VCF-style: chr19-11245559-G-A. GRCh37 (hg19) VCF-style: chr19-11356235-G-A.
Other names: c.1023+4C>T (NM_001367830.1).
Identifiers: ClinVar variation 1965832 (VCV001965832.5), dbSNP rs1357766932, ClinGen allele CA2580096426.

ClinVar aggregate classification (germline): Uncertain significance (1 of 4 stars; one submission).

Submission:

Labcorp Genetics (formerly Invitae), Labcorp
Classification: Uncertain significance. Last evaluated: 2024-11-05. Review status: criteria provided, single submitter. Criteria: Invitae Variant Classification Sherloc (09022015). Collection method: clinical testing. Allele origin: germline.
Comment: This sequence change falls in intron 9 of the DOCK6 gene. It does not directly change the encoded amino acid sequence of the DOCK6 protein. It affects a nucleotide within the consensus splice site. This variant is not present in population databases (gnomAD no frequency). This variant has not been reported in the literature in individuals affected with DOCK6-related conditions. ClinVar contains an entry for this variant (Variation ID: 1965832). Variants that disrupt the consensus splice site are a relatively common cause of aberrant splicing (PMID: 17576681, 9536098). Algorithms developed to predict the effect of sequence changes on RNA splicing suggest that this variant is not likely to affect RNA splicing. In summary, the available evidence is currently insufficient to determine the role of this variant in disease. Therefore, it has been classified as a Variant of Uncertain Significance.

Literature cited by the submitters: PubMed 17576681; PubMed 9536098.